The following is an entry in ClinVar:

NM_177438.3(DICER1):c.4050+5G>C

Gene: DICER1 (dicer 1, ribonuclease III; minus strand). Cytogenetic location: 14q32.13.
Variant type: single nucleotide variant.
Coding change: c.4050+5G>C on transcript NM_177438.3 (MANE Select); 5 bases into the intron after coding-DNA position 4050, G replaced by C.
Molecular consequence: intron variant.
Genome position (GRCh38, 1-based): chr14:95,103,341, C>G on the plus strand (G>C on the coding strand, the complement: DICER1 is on the minus strand). VCF-style: chr14-95103341-C-G. GRCh37 (hg19) VCF-style: chr14-95569678-C-G.
Other names: c.4050+5G>C (NM_177438.2, NM_001291628.2, NM_030621.4 and 13 more transcripts); c.3645+5G>C (NM_001395690.1, NM_001395687.1, NM_001395689.1 and 2 more transcripts); c.3768+5G>C (NM_001395686.1); c.3483+5G>C (NM_001395691.1); c.2367+5G>C (NM_001395697.1).
Identifiers: ClinVar variation 1936568 (VCV001936568.6), dbSNP rs2542682775, ClinGen allele CA2580089223.

ClinVar aggregate classification (germline): Conflicting classifications of pathogenicity. Review status: criteria provided, conflicting classifications (1 of 4 stars). 2 submissions from 2 submitters: Uncertain significance (1); Likely benign (1). Last evaluated 2026-09-08.

Conditions:
DICER1-related tumor predisposition. Also called: DICER1-related pleuropulmonary blastoma cancer predisposition syndrome; DICER1 syndrome. Identifiers: Orphanet 284343, MedGen C3839822, MONDO:0100216.
Hereditary cancer-predisposing syndrome. Also called: Hereditary neoplastic syndrome; Neoplastic Syndromes, Hereditary; Tumor predisposition; Hereditary Cancer Syndrome. Identifiers: Orphanet 140162, MedGen C0027672, MeSH D009386, MONDO:0015356.

Submissions (2):

Ambry Genetics
Classification: Uncertain significance for Hereditary cancer-predisposing syndrome. Last evaluated: 2026-09-08. Review status: criteria provided, single submitter. Criteria: Ambry Variant Classification Scheme 2023. Collection method: clinical testing. Allele origin: germline.
Comment: The c.4050+5G>C intronic variant results from a G to C substitution 5 nucleotides after coding exon 20 in the DICER1 gene. This nucleotide position is highly conserved in available vertebrate species. In silico splice site analysis predicts that this alteration may weaken the native splice donor site. Based on the available evidence, the clinical significance of this variant remains unclear.

Labcorp Genetics (formerly Invitae), Labcorp
Classification: Likely benign for DICER1-related tumor predisposition. Last evaluated: 2026-01-05. Review status: criteria provided, single submitter. Criteria: Invitae Variant Classification Sherloc (09022015). Collection method: clinical testing. Allele origin: germline.